The following is an entry in ClinVar:

NM_001270974.2(HYDIN):c.4627G>A (p.Glu1543Lys)

Gene: HYDIN (HYDIN axonemal central pair apparatus protein; minus strand). Cytogenetic location: 16q22.2.
Variant type: single nucleotide variant.
Coding change: c.4627G>A on transcript NM_001270974.2 (MANE Select); coding-DNA position 4627, G replaced by A.
Protein change: p.Glu1543Lys; replaces glutamic acid 1543 with lysine.
Molecular consequence: missense variant.
Genome position (GRCh38, 1-based): chr16:70,978,925, C>T on the plus strand (G>A on the coding strand, the complement: HYDIN is on the minus strand). VCF-style: chr16-70978925-C-T. GRCh37 (hg19) VCF-style: chr16-71012828-C-T.
Other names: short protein forms E1543K.
Identifiers: ClinVar variation 2663430 (VCV002663430.1), dbSNP rs368536031, ClinGen allele CA8150666.
Genomic context (GRCh38, chr16:70,978,925, plus strand): 5'-CGCACCACCCTCCTGCACAGGCGTCCCGTGCAGGCTGGAGCTGTCTTACCTCAGCAGGCT[C>T]GTCTTCTGGCACTTCCTCAGTTATTATGTCAAAGTGATCGAGCATTTCACATTTGTTATA-3'
Protein context (NP_001257903.1, residues 1533-1553): DIITEEVPED[Glu1543Lys]PAEVSAHLQM

ClinVar aggregate classification (germline): Uncertain significance (1 of 4 stars; one submission).

Allele frequency attached by ClinVar (database versions not stated): gnomAD exomes below 0.00001; ExAC 0.00001; gnomAD 0.00001; TOPMed 0.00001; ESP Exome Variant Server 0.00008.
gnomAD v4.1: 8 of 1,613,490 alleles (0.0005%); highest among the groups gnomAD compares: African/African-American, 0.0013%; no homozygotes.

Submission:

GeneDx
Classification: Uncertain significance. Last evaluated: 2023-05-01. Review status: criteria provided, single submitter. Criteria: GeneDx Variant Classification Process June 2021. Collection method: clinical testing. Allele origin: germline. Affected: yes.
Comment: Not observed at significant frequency in large population cohorts (gnomAD); In silico analysis supports that this missense variant does not alter protein structure/function; Has not been previously published as pathogenic or benign to our knowledge